The following is an entry in ClinVar:

ClinVar aggregate classification (germline): Pathogenic (1 of 4 stars; one submission).

Conditions:
Developmental and epileptic encephalopathy 94 (DEE94). Also called: Epileptic encephalopathy, childhood-onset; CHD2-Related Neurodevelopmental Disorders. Identifiers: Orphanet 1942, Orphanet 2382, MedGen C3809278, MONDO:0014150, OMIM 615369.

Submission:

Labcorp Genetics (formerly Invitae), Labcorp
Classification: Pathogenic for Developmental and epileptic encephalopathy 94. Last evaluated: 2023-05-08. Review status: criteria provided, single submitter. Criteria: Invitae Variant Classification Sherloc (09022015). Collection method: clinical testing. Allele origin: germline.
Comment: For these reasons, this variant has been classified as Pathogenic. This variant disrupts the p.Arg900 amino acid residue in CHD2. Other variant(s) that disrupt this residue have been determined to be pathogenic (PMID: 25326635, 30525188). This suggests that this residue is clinically significant, and that variants that disrupt this residue are likely to be disease-causing. Advanced modeling of protein sequence and biophysical properties (such as structural, functional, and spatial information, amino acid conservation, physicochemical variation, residue mobility, and thermodynamic stability) performed at Invitae indicates that this missense variant is expected to disrupt CHD2 protein function. ClinVar contains an entry for this variant (Variation ID: 1057862). This missense change has been observed in individual(s) with clinical features of childhood-onset epileptic encephalopathy (Invitae). In at least one individual the variant was observed to be de novo. This variant is not present in population databases (gnomAD no frequency). This sequence change replaces arginine, which is basic and polar, with glycine, which is neutral and non-polar, at codon 900 of the CHD2 protein (p.Arg900Gly).

Literature cited by the submitters: PubMed 25326635; PubMed 30525188.

NM_001271.4(CHD2):c.2698C>G (p.Arg900Gly)

Gene: CHD2 (chromodomain helicase DNA binding protein 2; plus strand). Cytogenetic location: 15q26.1.
Variant type: single nucleotide variant.
Coding change: c.2698C>G on transcript NM_001271.4 (MANE Select); coding-DNA position 2698, C replaced by G.
Protein change: p.Arg900Gly; replaces arginine 900 with glycine.
Molecular consequence: missense variant.
Genome position (GRCh38, 1-based): chr15:92,978,354, C>G. VCF-style: chr15-92978354-C-G. GRCh37 (hg19) VCF-style: chr15-93521584-C-G.
Other names: short protein forms R900G.
Identifiers: ClinVar variation 1057862 (VCV001057862.11), dbSNP rs1567149943, ClinGen allele CA393893916.